The following is an entry in ClinVar:

NM_005996.4(TBX3):c.1143G>A (p.Glu381=)

Gene: TBX3 (T-box transcription factor 3; minus strand). Cytogenetic location: 12q24.21.
Variant type: single nucleotide variant.
Coding change: c.1143G>A on transcript NM_005996.4 (MANE Select); coding-DNA position 1143, G replaced by A.
Protein change: p.Glu381=; no amino-acid change (glutamic acid 381 retained).
Molecular consequence: synonymous variant.
Genome position (GRCh38, 1-based): chr12:114,674,732, C>T on the plus strand (G>A on the coding strand, the complement: TBX3 is on the minus strand). VCF-style: chr12-114674732-C-T. GRCh37 (hg19) VCF-style: chr12-115112537-C-T.
Other names: c.1203G>A, p.Glu401= (NM_016569.4); c.1203G>A (NM_016569.3).
Identifiers: ClinVar variation 2138217 (VCV002138217.6), dbSNP rs1381213244, ClinGen allele CA482136266.
Genomic context (GRCh38, chr12:114,674,732, plus strand): 5'-CCGCTCAGCAGCGAAAAGGTGAGCCTTGACCGCGGGGCTGCCCTTGTCACGGCAGGGCTC[C>T]TCCGACGTGGTGGTGGAGATCTTGGCCGCGTCGCAGGCCTCGGGGCCATGCTCCTCTTTG-3'
Protein context (NP_005987.3, residues 371-391): DAAKISTTTS[Glu381=]EPCRDKGSPA

ClinVar aggregate classification (germline): Likely benign. Review status: criteria provided, single submitter (1 of 4 stars). 2 submissions from 2 submitters: Likely benign (1). 1 of the submissions does not count toward it. Last evaluated 2022-03-19.

Conditions:
TBX3-related disorder. Also called: TBX3-related condition.
Ulnar-mammary syndrome (UMS). Also called: SCHINZEL SYNDROME; PALLISTER ULNAR-MAMMARY SYNDROME; Ulnar-mammary syndrome of Pallister. Identifiers: Orphanet 3138, MedGen C1866994, MONDO:0008411, OMIM 181450.

Allele frequency attached by ClinVar (database versions not stated): gnomAD 0.00001; TOPMed 0.00001; gnomAD exomes 0.00002.
gnomAD v4.1: 31 of 1,598,068 alleles (0.0019%); highest among the groups gnomAD compares: Non-Finnish European, 0.0026%; no homozygotes.

Submissions (2):

Labcorp Genetics (formerly Invitae), Labcorp
Classification: Likely benign for Ulnar-mammary syndrome. Last evaluated: 2022-03-19. Review status: criteria provided, single submitter. Criteria: Invitae Variant Classification Sherloc (09022015). Collection method: clinical testing. Allele origin: germline.

PreventionGenetics, part of Exact Sciences
Classification: Likely benign for TBX3-related condition. Last evaluated: 2021-11-04. Review status: no assertion criteria provided. Collection method: clinical testing. Allele origin: germline. Not counted in ClinVar's aggregate classification.
Comment: This variant is classified as likely benign based on ACMG/AMP sequence variant interpretation guidelines (Richards et al. 2015 PMID: 25741868, with internal and published modifications).